The following is an entry in ClinVar:

NM_000059.4(BRCA2):c.7884dup (p.Trp2629fs)

Gene: BRCA2 (BRCA2 DNA repair associated; plus strand). Cytogenetic location: 13q13.1.
Variant type: Duplication.
Coding change: c.7884dup on transcript NM_000059.4 (MANE Select); coding-DNA position 7884, one base duplicated (A; older notation c.7884dupA).
Protein change: p.Trp2629fs; shifts the reading frame from tryptophan 2629.
Molecular consequence: frameshift variant.
Genome position (GRCh38, 1-based): chr13:32,362,601, A duplicated. VCF-style (leftmost placement, unchanged base first): chr13-32362600-T-TA. GRCh37 (hg19) VCF-style: chr13-32936737-T-TA.
Other names: 8112_8113insA; c.7884dupA (NM_000059.3); short protein forms W2629fs.
Identifiers: ClinVar variation 52431 (VCV000052431.8), dbSNP rs397507943, ClinGen allele CA025322.

ClinVar aggregate classification (germline): Pathogenic. Review status: reviewed by expert panel (3 of 4 stars). 5 submissions from 5 submitters: Pathogenic (1). 4 of the submissions do not count toward it. Last evaluated 2016-04-22.

Conditions:
Hereditary breast ovarian cancer syndrome. Also called: Hereditary breast and ovarian cancer syndrome; Hereditary breast and ovarian cancer; Hereditary breast and ovarian cancer syndrome (HBOC); Breast and ovarian cancer; Hereditary breast and/or ovarian cancer syndrome; BRCA1- and BRCA2-Associated Hereditary Breast and Ovarian Cancer. Identifiers: Orphanet 145, MedGen C0677776, MeSH D061325, MONDO:0003582. Disease mechanism: loss of function.
Breast-ovarian cancer, familial, susceptibility to, 2 (BROVCA2). Also called: BRCA2 Hereditary Breast and Ovarian Cancer. Identifiers: Orphanet 145, MedGen C2675520, MONDO:0012933, OMIM 612555. Disease mechanism: loss of function.

Allele frequency attached by ClinVar (database versions not stated): gnomAD exomes below 0.00001.

Submissions (5):

Evidence-based Network for the Interpretation of Germline Mutant Alleles (ENIGMA)
Classification: Pathogenic for Breast-ovarian cancer, familial, susceptibility to, 2. Last evaluated: 2016-04-22. Review status: reviewed by expert panel. Criteria: ENIGMA BRCA1/2 Classification Criteria (2015). Collection method: curation. Allele origin: germline.
Comment: Variant allele predicted to encode a truncated non-functional protein.

Labcorp Genetics (formerly Invitae), Labcorp
Classification: Pathogenic for Hereditary breast ovarian cancer syndrome. Last evaluated: 2025-10-01. Review status: criteria provided, single submitter. Criteria: Invitae Variant Classification Sherloc (09022015). Collection method: clinical testing. Allele origin: germline. Not counted in ClinVar's aggregate classification.
Comment: This sequence change creates a premature translational stop signal (p.Trp2629Metfs*12) in the BRCA2 gene. It is expected to result in an absent or disrupted protein product. Loss-of-function variants in BRCA2 are known to be pathogenic (PMID: 20104584). This variant is not present in population databases (gnomAD no frequency). This premature translational stop signal has been observed in individual(s) with breast cancer (PMID: 29371908). This variant is also known as c.7884dupA (p.Trp2629Metfs). ClinVar contains an entry for this variant (Variation ID: 52431). Algorithms developed to predict the effect of sequence changes on RNA splicing suggest that this variant may disrupt the consensus splice site. For these reasons, this variant has been classified as Pathogenic.

Laboratory for Molecular Medicine, Mass General Brigham Personalized Medicine
Classification: Likely pathogenic for Hereditary breast ovarian cancer syndrome. Last evaluated: 2019-10-14. Review status: criteria provided, single submitter. Criteria: ACMG Guidelines, 2015. Collection method: clinical testing. Allele origin: germline. Not counted in ClinVar's aggregate classification.
Comment: The p.Trp2629MetfsX12 variant in BRCA2 has not been previously reported in individuals with hereditary breast and/or ovarian cancer (HBOC) and was absent from large population studies, but has been reported in ClinVar (Variation ID: 52431). This variant is predicted to cause a frameshift, which alters the protein’s amino acid sequence beginning at position 2629 and leads to a premature termination codon 12 amino acids downstream. This alteration is then predicted to lead to a truncated or absent protein. Loss of function of the BRCA2 gene is an established disease mechanism in autosomal dominant HBOC. In summary, although additional studies are required to fully establish its clinical significance, this variant meets criteria to be classified as likely pathogenic for autosomal dominant HBOC. ACMG/AMP Criteria applied: PVS1, PM2.

Consortium of Investigators of Modifiers of BRCA1/2 (CIMBA), c/o University of Cambridge
Classification: Pathogenic for Breast-ovarian cancer, familial, susceptibility to, 2. Last evaluated: 2015-10-02. Review status: criteria provided, single submitter. Criteria: CIMBA Mutation Classification guidelines May 2016. Collection method: clinical testing. Allele origin: germline. Not counted in ClinVar's aggregate classification.

Research Molecular Genetics Laboratory, Women's College Hospital, University of Toronto
Classification: Pathogenic for Hereditary breast ovarian cancer syndrome. Last evaluated: 2014-01-31. Review status: no assertion criteria provided. Collection method: research. Allele origin: germline. Affected: yes. Study: The Canadian Open Genetics Repository (COGR). Not counted in ClinVar's aggregate classification.

Literature cited by the submitters: PubMed 20104584 (cited by Labcorp Genetics (formerly Invitae), Labcorp); PubMed 29371908 (cited by Labcorp Genetics (formerly Invitae), Labcorp).